The following is an entry in ClinVar:

ClinVar aggregate classification (germline): Uncertain significance. Review status: criteria provided, multiple submitters, no conflicts (2 of 4 stars). 3 submissions from 3 submitters: Uncertain significance (3). Last evaluated 2023-07-13.

Conditions:
Progressive myoclonic epilepsy. Also called: Familial progressive myoclonic epilepsy; Progressive myoclonus epilepsy; Myoclonic Epilepsies, Progressive; Myoclonus epilepsy. Identifiers: Orphanet 308, Orphanet 98261, MedGen C0751778, MONDO:0020074.
Action myoclonus-renal failure syndrome. Also called: EPILEPSY, PROGRESSIVE MYOCLONIC, 4, WITH RENAL FAILURE; EPILEPSY, PROGRESSIVE MYOCLONIC, 4, WITHOUT RENAL FAILURE; SCARB2-Related Action Myoclonus-Renal Failure Syndrome; MYOCLONUS-NEPHROPATHY SYNDROME. Identifiers: Orphanet 163696, MedGen C0751779, MeSH D020191, MONDO:0009699, OMIM 254900.

Allele frequency attached by ClinVar (database versions not stated): gnomAD exomes below 0.00001; gnomAD 0.00001; TOPMed 0.00001.
gnomAD v4.1: 3 of 1,613,904 alleles (0.00019%); highest among the groups gnomAD compares: East Asian, 0.0022%; no homozygotes.

Submissions (3):

GeneDx
Classification: Uncertain significance. Last evaluated: 2023-07-13. Review status: criteria provided, single submitter. Criteria: GeneDx Variant Classification Process June 2021. Collection method: clinical testing. Allele origin: germline. Affected: yes.
Comment: Not observed at significant frequency in large population cohorts (gnomAD); In silico analysis supports that this missense variant has a deleterious effect on protein structure/function; Has not been previously published as pathogenic or benign to our knowledge

Labcorp Genetics (formerly Invitae), Labcorp
Classification: Uncertain significance for Progressive myoclonic epilepsy. Last evaluated: 2022-08-23. Review status: criteria provided, single submitter. Criteria: Invitae Variant Classification Sherloc (09022015). Collection method: clinical testing. Allele origin: germline.
Comment: This sequence change replaces tyrosine, which is neutral and polar, with cysteine, which is neutral and slightly polar, at codon 198 of the SCARB2 protein (p.Tyr198Cys). This variant is present in population databases (no rsID available, gnomAD 0.005%). This variant has not been reported in the literature in individuals affected with SCARB2-related conditions. ClinVar contains an entry for this variant (Variation ID: 963097). Algorithms developed to predict the effect of missense changes on protein structure and function are either unavailable or do not agree on the potential impact of this missense change (SIFT: "Tolerated"; PolyPhen-2: "Possibly Damaging"; Align-GVGD: "Class C15"). In summary, the available evidence is currently insufficient to determine the role of this variant in disease. Therefore, it has been classified as a Variant of Uncertain Significance.

Fulgent Genetics
Classification: Uncertain significance for Action myoclonus-renal failure syndrome. Last evaluated: 2021-10-28. Review status: criteria provided, single submitter. Criteria: ACMG Guidelines, 2015. Collection method: clinical testing. Allele origin: unknown.

NM_005506.4(SCARB2):c.593A>G (p.Tyr198Cys)

Gene: SCARB2 (scavenger receptor class B member 2; minus strand). Cytogenetic location: 4q21.1.
Variant type: single nucleotide variant.
Coding change: c.593A>G on transcript NM_005506.4 (MANE Select); coding-DNA position 593, A replaced by G.
Protein change: p.Tyr198Cys; replaces tyrosine 198 with cysteine.
Molecular consequence: missense variant. On other transcripts: intron variant (1).
Genome position (GRCh38, 1-based): chr4:76,179,536, T>C on the plus strand (A>G on the coding strand, the complement: SCARB2 is on the minus strand). VCF-style: chr4-76179536-T-C. GRCh37 (hg19) VCF-style: chr4-77100689-T-C.
Other names: c.276-3626A>G (NM_001204255.2); short protein forms Y198C.
Identifiers: ClinVar variation 963097 (VCV000963097.9), dbSNP rs1018285383, ClinGen allele CA99838901.
Genomic context (GRCh38, chr4:76,179,536, plus strand): 5'-TCAGCTAAAAAAAGAGGTTCTGAAAAGAAAAATCTACTTACCTCATAGAATAGGCCAAAA[T>C]AGGGAGAGATATCGGGCCTGAAAACATGGATAAGGGACAAGATTTCATCTTTGTAGCCCC-3'
Protein context (NP_005497.1, residues 188-208): IHVFRPDISP[Tyr198Cys]FGLFYEKNGT